The following is an entry in ClinVar:

ClinVar aggregate classification (germline): Uncertain significance. Review status: criteria provided, multiple submitters, no conflicts (2 of 4 stars). 2 submissions from 2 submitters: Uncertain significance (2). Last evaluated 2025-01-31.

Allele frequency attached by ClinVar (database versions not stated): ExAC 0.00001; gnomAD exomes 0.00001; gnomAD 0.00007; TOPMed 0.00011; ESP Exome Variant Server 0.00023.
gnomAD v4.1: 23 of 1,605,888 alleles (0.0014%); highest among the groups gnomAD compares: Middle Eastern, 0.033%; no homozygotes.

Submissions (2):

GeneDx
Classification: Uncertain significance. Last evaluated: 2025-01-31. Review status: criteria provided, single submitter. Criteria: GeneDx Variant Classification Process June 2021. Collection method: clinical testing. Allele origin: germline. Affected: yes.
Comment: In silico analysis supports that this missense variant has a deleterious effect on protein structure/function; Has not been previously published as pathogenic or benign to our knowledge

Labcorp Genetics (formerly Invitae), Labcorp
Classification: Uncertain significance. Last evaluated: 2022-12-01. Review status: criteria provided, single submitter. Criteria: Invitae Variant Classification Sherloc (09022015). Collection method: clinical testing. Allele origin: germline.
Comment: In summary, the available evidence is currently insufficient to determine the role of this variant in disease. Therefore, it has been classified as a Variant of Uncertain Significance. Advanced modeling of protein sequence and biophysical properties (such as structural, functional, and spatial information, amino acid conservation, physicochemical variation, residue mobility, and thermodynamic stability) performed at Invitae indicates that this missense variant is not expected to disrupt ACAN protein function. This variant has not been reported in the literature in individuals affected with ACAN-related conditions. This variant is present in population databases (rs374984332, gnomAD 0.01%). This sequence change replaces alanine, which is neutral and non-polar, with threonine, which is neutral and polar, at codon 190 of the ACAN protein (p.Ala190Thr).

NM_001369268.1(ACAN):c.568G>A (p.Ala190Thr)

Gene: ACAN (aggrecan; plus strand). Cytogenetic location: 15q26.1.
Variant type: single nucleotide variant.
Coding change: c.568G>A on transcript NM_001369268.1 (MANE Select); coding-DNA position 568, G replaced by A.
Protein change: p.Ala190Thr; replaces alanine 190 with threonine.
Molecular consequence: missense variant.
Genome position (GRCh38, 1-based): chr15:88,840,125, G>A. VCF-style: chr15-88840125-G-A. GRCh37 (hg19) VCF-style: chr15-89383356-G-A.
Other names: c.568G>A, p.Ala190Thr (NM_001135.4, NM_001411096.1, NM_001411097.1 and 1 more transcripts); c.568G>A (NM_013227.3); short protein forms A190T.
Identifiers: ClinVar variation 2718437 (VCV002718437.4), dbSNP rs374984332, ClinGen allele CA7719267.